The following is an entry in ClinVar:

NM_003718.5(CDK13):c.45G>A (p.Leu15=)

Gene: CDK13 (cyclin dependent kinase 13; plus strand). Cytogenetic location: 7p14.1.
Variant type: single nucleotide variant.
Coding change: c.45G>A on transcript NM_003718.5 (MANE Select); coding-DNA position 45, G replaced by A.
Protein change: p.Leu15=; no amino-acid change (leucine 15 retained).
Molecular consequence: synonymous variant.
Genome position (GRCh38, 1-based): chr7:39,950,686, G>A. VCF-style: chr7-39950686-G-A. GRCh37 (hg19) VCF-style: chr7-39990285-G-A.
Other names: c.45G>A, p.Leu15= (NM_031267.4).
Identifiers: ClinVar variation 3388795 (VCV003388795.14).

ClinVar aggregate classification (germline): Likely benign (1 of 4 stars; one submission).

gnomAD v4.1: 4 of 1,425,888 alleles (0.00028%); highest among the groups gnomAD compares: South Asian, 0.0014%; no homozygotes.

Submission:

CeGaT Center for Human Genetics Tuebingen
Classification: Likely benign. Last evaluated: 2024-09-01. Review status: criteria provided, single submitter. Criteria: CeGaT Center For Human Genetics Tuebingen Variant Classification Criteria Version 2. Collection method: clinical testing. Allele origin: germline. Affected: yes. Observed: 1 variant allele.
Comment: CDK13: BP4, BP7